The following is an entry in ClinVar:

NM_001365536.1(SCN9A):c.1415G>C (p.Ser472Thr)

Genes: SCN1A-AS1 (SCN1A and SCN9A antisense RNA 1; plus strand), SCN9A (sodium voltage-gated channel alpha subunit 9; minus strand). Cytogenetic location: 2q24.3.
Variant type: single nucleotide variant.
Coding change: c.1415G>C on transcript NM_001365536.1 (MANE Select); coding-DNA position 1415, G replaced by C.
Protein change: p.Ser472Thr; replaces serine 472 with threonine.
Molecular consequence: missense variant.
Genome position (GRCh38, 1-based): chr2:166,286,523, C>G on the plus strand (G>C on the coding strand, the complement: SCN9A is on the minus strand). VCF-style: chr2-166286523-C-G. GRCh37 (hg19) VCF-style: chr2-167143033-C-G.
Other names: c.1415G>C, p.Ser472Thr (NM_002977.4); short protein forms S472T.
Identifiers: ClinVar variation 1063125 (VCV001063125.9), dbSNP rs2106487578, ClinGen allele CA349084798.

ClinVar aggregate classification (germline): Uncertain significance (1 of 4 stars; one submission).

Conditions:
Generalized epilepsy with febrile seizures plus, type 7 (GEFSP7). Also called: GEFS+, TYPE 7. Identifiers: Orphanet 36387, MedGen C2751778, MONDO:0013470, OMIM 613863.
Neuropathy, hereditary sensory and autonomic, type 2A (HSAN2A). Also called: ACROOSTEOLYSIS, GIACCAI TYPE; ACROOSTEOLYSIS, NEUROGENIC; WNK1-Related HSAN2 (HSAN2A); HSAN IIA; MORVAN DISEASE; NEUROPATHY, CONGENITAL SENSORY. Identifiers: Orphanet 970, MedGen C2752089, MONDO:0024309, OMIM 201300.

Submission:

Labcorp Genetics (formerly Invitae), Labcorp
Classification: Uncertain significance for Neuropathy, hereditary sensory and autonomic, type 2A; Generalized epilepsy with febrile seizures plus, type 7. Last evaluated: 2020-10-01. Review status: criteria provided, single submitter. Criteria: Invitae Variant Classification Sherloc (09022015). Collection method: clinical testing. Allele origin: germline.
Comment: This variant is not present in population databases (ExAC no frequency). In summary, the available evidence is currently insufficient to determine the role of this variant in disease. Therefore, it has been classified as a Variant of Uncertain Significance. Algorithms developed to predict the effect of missense changes on protein structure and function are either unavailable or do not agree on the potential impact of this missense change (SIFT: "Tolerated"; PolyPhen-2: "Probably Damaging"; Align-GVGD: "Class C0"). This variant has not been reported in the literature in individuals with SCN9A-related conditions. This sequence change replaces serine with threonine at codon 472 of the SCN9A protein (p.Ser472Thr). The serine residue is highly conserved and there is a small physicochemical difference between serine and threonine.